The following is an entry in ClinVar:

ClinVar aggregate classification (germline): Uncertain significance (1 of 4 stars; one submission).

Conditions:
Ataxia-telangiectasia syndrome (AT). Also called: LOUIS-BAR SYNDROME; Cerebello-oculocutaneous telangiectasia; Immunodeficiency with ataxia telangiectasia; ATAXIA-TELANGIECTASIA, COMPLEMENTATION GROUP A; ATAXIA-TELANGIECTASIA, FRESNO VARIANT; Ataxia-telangiectasia, complementation group D. Identifiers: Orphanet 100, MedGen C0004135, MONDO:0008840, OMIM 208900.

Submission:

Labcorp Genetics (formerly Invitae), Labcorp
Classification: Uncertain significance for Ataxia-telangiectasia syndrome. Last evaluated: 2024-07-30. Review status: criteria provided, single submitter. Criteria: Invitae Variant Classification Sherloc (09022015). Collection method: clinical testing. Allele origin: germline.
Comment: This sequence change replaces proline, which is neutral and non-polar, with leucine, which is neutral and non-polar, at codon 1376 of the ATM protein (p.Pro1376Leu). This variant is not present in population databases (gnomAD no frequency). This variant has not been reported in the literature in individuals affected with ATM-related conditions. An algorithm developed to predict the effect of missense changes on protein structure and function (PolyPhen-2) suggests that this variant is likely to be disruptive. In summary, the available evidence is currently insufficient to determine the role of this variant in disease. Therefore, it has been classified as a Variant of Uncertain Significance.

NM_000051.4(ATM):c.4127C>T (p.Pro1376Leu)

Gene: ATM (ATM serine/threonine kinase; plus strand). Cytogenetic location: 11q22.3.
Variant type: single nucleotide variant.
Coding change: c.4127C>T on transcript NM_000051.4 (MANE Select); coding-DNA position 4127, C replaced by T.
Protein change: p.Pro1376Leu; replaces proline 1376 with leucine.
Molecular consequence: missense variant.
Genome position (GRCh38, 1-based): chr11:108,288,994, C>T. VCF-style: chr11-108288994-C-T. GRCh37 (hg19) VCF-style: chr11-108159721-C-T.
Other names: c.4127C>T, p.Pro1376Leu (NM_001351834.2); short protein forms P1376L.
Identifiers: ClinVar variation 3660951 (VCV003660951.2).